The following is an entry in ClinVar:

ClinVar aggregate classification (germline): Benign. Review status: criteria provided, multiple submitters, no conflicts (2 of 4 stars). 10 submissions from 10 submitters: Benign (9). 1 of the submissions does not count toward it. Last evaluated 2026-02-04.

Conditions:
Ataxia-telangiectasia-like disorder (ATLD). Identifiers: MedGen C1858391, MONDO:0011457.
Hereditary cancer-predisposing syndrome. Also called: Neoplastic Syndromes, Hereditary; Tumor predisposition; Hereditary Cancer Syndrome; Hereditary neoplastic syndrome. Identifiers: Orphanet 140162, MedGen C0027672, MeSH D009386, MONDO:0015356.
Hereditary breast ovarian cancer syndrome. Also called: Breast and ovarian cancer; Hereditary breast and ovarian cancer; Hereditary breast and/or ovarian cancer syndrome; BRCA1- and BRCA2-Associated Hereditary Breast and Ovarian Cancer; Hereditary breast and ovarian cancer syndrome; Hereditary breast and ovarian cancer syndrome (HBOC). Identifiers: Orphanet 145, MedGen C0677776, MeSH D061325, MONDO:0003582. Disease mechanism: loss of function.
Ataxia-telangiectasia-like disorder 1 (ATLD1). Identifiers: Orphanet 251347, MedGen C4012790, MONDO:0024557, OMIM 604391.

Allele frequency attached by ClinVar (database versions not stated): TOPMed 0.05350; 1000 Genomes Project 0.05391; ESP Exome Variant Server 0.05593; 1000 Genomes Project 30x 0.05637.
gnomAD v4.1: 29,564 of 1,582,754 alleles (1.9%); highest among the groups gnomAD compares: African/African-American, 14%; 1,072 homozygotes.

Submissions (10):

Labcorp Genetics (formerly Invitae), Labcorp
Classification: Benign for Ataxia-telangiectasia-like disorder. Last evaluated: 2026-02-04. Review status: criteria provided, single submitter. Criteria: Invitae Variant Classification Sherloc (09022015). Collection method: clinical testing. Allele origin: germline.

GeneKor MSA
Classification: Benign for Hereditary cancer-predisposing syndrome. Last evaluated: 2025-07-10. Review status: criteria provided, single submitter. Criteria: ACMG Guidelines, 2015. Collection method: clinical testing. Allele origin: germline.

KCCC/NGS Laboratory, Kuwait Cancer Control Center
Classification: Benign for Ataxia-telangiectasia-like disorder 1. Last evaluated: 2023-07-07. Review status: criteria provided, single submitter. Criteria: ACMG Guidelines, 2015. Collection method: clinical testing. Allele origin: germline. Affected: yes.

National Health Laboratory Service, Universitas Academic Hospital and University of the Free State
Classification: Benign for Hereditary breast ovarian cancer syndrome. Last evaluated: 2022-04-19. Review status: criteria provided, single submitter. Criteria: ACMG Guidelines, 2015. Collection method: clinical testing. Allele origin: germline. Affected: yes. Observed: 63 variant alleles.

Women's Health and Genetics/Laboratory Corporation of America, LabCorp
Classification: Benign. Last evaluated: 2016-05-04. Review status: criteria provided, single submitter. Criteria: LabCorp Variant Classification Summary - May 2015. Collection method: clinical testing. Allele origin: germline.
Comment: Variant summary: The c.1098+17T>C variant affects a non-conserved intronic nucleotide at a position not widely known to affect normal splicing. MutationTaster predicts benign outcome for this variant. 5/5 splice-tools in Alamut predict that this variant does not affect normal splicing. This variant is found in 3285/120390 control chromosomes from ExAC (including 139 homozygotes) at a frequency of 0.0272863, which is about 437 times greater than the maximal expected frequency of a pathogenic allele (0.0000625), suggesting this variant is a benign common polymorphism. Taken together, this variant has been classified as Benign.

GeneDx
Classification: Benign. Last evaluated: 2015-03-03. Review status: criteria provided, single submitter. Criteria: GeneDx Variant Classification Process June 2021. Collection method: clinical testing. Allele origin: germline. Affected: yes.

Ambry Genetics
Classification: Benign for Hereditary cancer-predisposing syndrome. Last evaluated: 2012-09-25. Review status: criteria provided, single submitter. Criteria: Ambry Autosomal Dominant and X-Linked criteria (10/2015). Collection method: clinical testing. Allele origin: germline. Observed: 1 variant allele.

Breakthrough Genomics
Classification: Benign. Review status: criteria provided, single submitter. Criteria: ACMG Guidelines, 2015. Collection method: not provided. Allele origin: germline. Inheritance: Autosomal recessive inheritance. Affected: yes.

PreventionGenetics, part of Exact Sciences
Classification: Benign. Review status: criteria provided, single submitter. Criteria: ACMG Guidelines, 2015. Collection method: clinical testing. Allele origin: germline.

Counsyl
Classification: Benign for Ataxia-telangiectasia-like disorder 1. Last evaluated: 2016-06-08. Review status: no assertion criteria provided. Collection method: clinical testing. Allele origin: unknown. Not counted in ClinVar's aggregate classification.

NM_005591.4(MRE11):c.1098+17T>C

Gene: MRE11 (MRE11 double strand break repair nuclease; minus strand). Cytogenetic location: 11q21.
Variant type: single nucleotide variant.
Coding change: c.1098+17T>C on transcript NM_005591.4 (MANE Select); 17 bases into the intron after coding-DNA position 1098, T replaced by C.
Molecular consequence: intron variant.
Genome position (GRCh38, 1-based): chr11:94,467,796, A>G on the plus strand (T>C on the coding strand, the complement: MRE11 is on the minus strand). VCF-style: chr11-94467796-A-G. GRCh37 (hg19) VCF-style: chr11-94200962-A-G.
Other names: c.1098+17T>C (NM_001330347.2, NM_005590.4).
Identifiers: ClinVar variation 140776 (VCV000140776.19), dbSNP rs1805365, ClinGen allele CA163536.
Genomic context (GRCh38, chr11:94,467,796, plus strand): 5'-TTCAAAGAAACCATGTAAACTGTACATTACTATGCTTTGAAAATTAATAATATTCAATCT[A>G]TATAAATAGGACTTACTCGCAGTCGTACAAGAGGCTTCTCTGGCTGGTGAGAATTACCCA-3'